The following is an entry in ClinVar:

ClinVar aggregate classification (germline): Uncertain significance (1 of 4 stars; one submission).

Allele frequency attached by ClinVar (database versions not stated): TOPMed 0.00001; gnomAD exomes 0.00002; gnomAD 0.00003; ExAC 0.00006.
gnomAD v4.1: 30 of 1,614,090 alleles (0.0019%); highest among the groups gnomAD compares: Non-Finnish European, 0.002%; no homozygotes.

Submission:

Labcorp Genetics (formerly Invitae), Labcorp
Classification: Uncertain significance. Last evaluated: 2024-12-09. Review status: criteria provided, single submitter. Criteria: Invitae Variant Classification Sherloc (09022015). Collection method: clinical testing. Allele origin: germline.
Comment: This sequence change replaces threonine, which is neutral and polar, with alanine, which is neutral and non-polar, at codon 1360 of the TCF20 protein (p.Thr1360Ala). This variant is present in population databases (rs760115983, gnomAD 0.008%). This variant has not been reported in the literature in individuals affected with TCF20-related conditions. ClinVar contains an entry for this variant (Variation ID: 1932702). An algorithm developed to predict the effect of missense changes on protein structure and function (PolyPhen-2) suggests that this variant is likely to be disruptive. In summary, the available evidence is currently insufficient to determine the role of this variant in disease. Therefore, it has been classified as a Variant of Uncertain Significance.

NM_001378418.1(TCF20):c.4078A>G (p.Thr1360Ala)

Gene: TCF20 (transcription factor 20; minus strand). Cytogenetic location: 22q13.2.
Variant type: single nucleotide variant.
Coding change: c.4078A>G on transcript NM_001378418.1 (MANE Select); coding-DNA position 4078, A replaced by G.
Protein change: p.Thr1360Ala; replaces threonine 1360 with alanine.
Molecular consequence: missense variant.
Genome position (GRCh38, 1-based): chr22:42,211,228, T>C on the plus strand (A>G on the coding strand, the complement: TCF20 is on the minus strand). VCF-style: chr22-42211228-T-C. GRCh37 (hg19) VCF-style: chr22-42607234-T-C.
Other names: c.4078A>G, p.Thr1360Ala (NM_005650.4, NM_181492.3); short protein forms T1360A.
Identifiers: ClinVar variation 1932702 (VCV001932702.5), dbSNP rs760115983, ClinGen allele CA10266725.
Genomic context (GRCh38, chr22:42,211,228, plus strand): 5'-CCGTGTCTCCCCCAGCCTCCGCACTGTTCGAAGATGCGCTCCTCCTAATATTTGGGGATG[T>C]AATCTTCTGAACTATAGCTTCCAATTTCAATCCCCGTCCTTTCCGTGGGGGCAGTATTTT-3'
Protein context (NP_001365347.1, residues 1350-1370): LKLEAIVQKI[Thr1360Ala]SPNIRRSASS